The following is an entry in ClinVar:

ClinVar aggregate classification (germline): Likely benign (1 of 4 stars; one submission).

Allele frequency attached by ClinVar (database versions not stated): ExAC 0.00032; gnomAD exomes 0.00068; gnomAD 0.00124; 1000 Genomes Project 30x 0.00265.
gnomAD v4.1: 1,175 of 1,566,640 alleles (0.075%); highest among the groups gnomAD compares: Admixed American, 0.21%; 1 homozygote.

Submission:

CeGaT Center for Human Genetics Tuebingen
Classification: Likely benign. Last evaluated: 2023-08-01. Review status: criteria provided, single submitter. Criteria: CeGaT Center For Human Genetics Tuebingen Variant Classification Criteria Version 2. Collection method: clinical testing. Allele origin: germline. Affected: yes. Observed: 1 variant allele.
Comment: MUC21: BP4, BP7

NM_001010909.5(MUC21):c.711C>T (p.Ala237=)

Genes: MUC21 (mucin 21, cell surface associated; plus strand), LOC126859647 (CDK7 strongly-dependent group 2 enhancer GRCh37_chr6:30954612-30955811; plus strand). Cytogenetic location: 6p21.33.
Variant type: single nucleotide variant.
Coding change: c.711C>T on transcript NM_001010909.5 (MANE Select); coding-DNA position 711, C replaced by T.
Protein change: p.Ala237=; no amino-acid change (alanine 237 retained).
Molecular consequence: synonymous variant. On other transcripts: non-coding transcript variant (1).
Genome position (GRCh38, 1-based): chr6:30,986,886, C>T. VCF-style: chr6-30986886-C-T. GRCh37 (hg19) VCF-style: chr6-30954663-C-T.
Other names: c.801C>T, p.Ala267= (NM_001322370.2, NM_001322371.2).
Identifiers: ClinVar variation 2656357 (VCV002656357.24), dbSNP rs138124420, ClinGen allele CA3707247.